The following is an entry in ClinVar:

ClinVar aggregate classification (germline): Uncertain significance (1 of 4 stars; one submission).

Submission:

Labcorp Genetics (formerly Invitae), Labcorp
Classification: Uncertain significance. Last evaluated: 2025-05-27. Review status: criteria provided, single submitter. Criteria: Invitae Variant Classification Sherloc (09022015). Collection method: clinical testing. Allele origin: germline.
Comment: This sequence change replaces glutamine, which is neutral and polar, with arginine, which is basic and polar, at codon 39 of the POLR3F protein (p.Gln39Arg). This variant is not present in population databases (gnomAD no frequency). This variant has not been reported in the literature in individuals affected with POLR3F-related conditions. Experimental studies and prediction algorithms are not available or were not evaluated, and the functional significance of this variant is currently unknown. In summary, the available evidence is currently insufficient to determine the role of this variant in disease. Therefore, it has been classified as a Variant of Uncertain Significance.

NM_006466.4(POLR3F):c.239A>G (p.Gln80Arg)

Gene: POLR3F (RNA polymerase III subunit F; plus strand). Cytogenetic location: 20p11.23.
Variant type: single nucleotide variant.
Coding change: c.239A>G on transcript NM_006466.4 (MANE Select); coding-DNA position 239, A replaced by G.
Protein change: p.Gln80Arg; replaces glutamine 80 with arginine.
Molecular consequence: missense variant. On other transcripts: non-coding transcript variant (1).
Genome position (GRCh38, 1-based): chr20:18,472,900, A>G. VCF-style: chr20-18472900-A-G. GRCh37 (hg19) VCF-style: chr20-18453544-A-G.
Other names: c.116A>G, p.Gln39Arg (NM_001282526.2); c.239A>G, p.Gln80Arg (NM_001410821.1); short protein forms Q39R, Q80R.
Identifiers: ClinVar variation 4762180 (VCV004762180.1).
Genomic context (GRCh38, chr20:18,472,900, plus strand): 5'-AGGGTCAGTTGGATCTCTTAAGGAGCAATACGGGCCTTTTATATAGAATAAAGGACTCTC[A>G]GAATGCTGGGTAAGTACTTGTTTTTTTAATTTTAAGAAAATGTTTATTATTTGCAAACGT-3'
Protein context (NP_006457.2, residues 70-90): TGLLYRIKDS[Gln80Arg]NAGKMKGSDN